The following is an entry in ClinVar:

NM_005732.4(RAD50):c.468del (p.Cys157fs)

Gene: RAD50 (RAD50 double strand break repair protein; plus strand). Cytogenetic location: 5q31.1.
Variant type: Deletion.
Coding change: c.468del on transcript NM_005732.4 (MANE Select); coding-DNA position 468, one base deleted (C; older notation c.468delC).
Protein change: p.Cys157fs; shifts the reading frame from cysteine 157.
Molecular consequence: frameshift variant.
Genome position (GRCh38, 1-based): chr5:132,579,419, C deleted. VCF-style (leftmost placement, unchanged base first): chr5-132579418-TC-T. GRCh37 (hg19) VCF-style: chr5-131915110-TC-T.
Other names: short protein forms C157fs.
Identifiers: ClinVar variation 1442252 (VCV001442252.6), dbSNP rs2149837756, ClinGen allele CA2573139075.

ClinVar aggregate classification (germline): Pathogenic (1 of 4 stars; one submission).

Conditions:
Hereditary cancer-predisposing syndrome. Also called: Tumor predisposition; Hereditary Cancer Syndrome; Hereditary neoplastic syndrome; Neoplastic Syndromes, Hereditary. Identifiers: Orphanet 140162, MedGen C0027672, MeSH D009386, MONDO:0015356.

Submission:

Labcorp Genetics (formerly Invitae), Labcorp
Classification: Pathogenic for Hereditary cancer-predisposing syndrome. Last evaluated: 2022-10-30. Review status: criteria provided, single submitter. Criteria: Invitae Variant Classification Sherloc (09022015). Collection method: clinical testing. Allele origin: germline.
Comment: For these reasons, this variant has been classified as Pathogenic. ClinVar contains an entry for this variant (Variation ID: 1442252). This variant has not been reported in the literature in individuals affected with RAD50-related conditions. This variant is not present in population databases (gnomAD no frequency). This sequence change creates a premature translational stop signal (p.Cys157Valfs*10) in the RAD50 gene. It is expected to result in an absent or disrupted protein product. Loss-of-function variants in RAD50 are known to be pathogenic (PMID: 19409520).

Literature cited by the submitters: PubMed 19409520.